The following is an entry in ClinVar:

NM_024339.5(THOC6):c.931G>A (p.Ala311Thr)

Gene: THOC6 (THO complex subunit 6; plus strand). Cytogenetic location: 16p13.3.
Variant type: single nucleotide variant.
Coding change: c.931G>A on transcript NM_024339.5 (MANE Select); coding-DNA position 931, G replaced by A.
Protein change: p.Ala311Thr; replaces alanine 311 with threonine.
Molecular consequence: missense variant. On other transcripts: intron variant (1).
Genome position (GRCh38, 1-based): chr16:3,027,486, G>A. VCF-style: chr16-3027486-G-A. GRCh37 (hg19) VCF-style: chr16-3077487-G-A.
Other names: c.859G>A, p.Ala287Thr (NM_001347703.2); c.931G>A, p.Ala311Thr (NM_001347704.2); c.811-91G>A (NM_001142350.3); c.931G>A (NM_024339.4); short protein forms A287T, A311T.
Identifiers: ClinVar variation 4633126 (VCV004633126.2).

ClinVar aggregate classification (germline): Uncertain significance. Review status: criteria provided, multiple submitters, no conflicts (2 of 4 stars). 2 submissions from 2 submitters: Uncertain significance (2). Last evaluated 2025-11-20.

Conditions:
THOC6-related disorder. Also called: THOC6-related condition.
Inborn genetic diseases. Identifiers: MedGen C0950123, MeSH D030342.

gnomAD v4.1: 30 of 1,610,104 alleles (0.0019%); highest among the groups gnomAD compares: East Asian, 0.027%; no homozygotes.

Submissions (2):

Ambry Genetics
Classification: Uncertain significance for Inborn genetic diseases. Last evaluated: 2025-11-20. Review status: criteria provided, single submitter. Criteria: Ambry Variant Classification Scheme 2023. Collection method: clinical testing. Allele origin: germline.

PreventionGenetics, part of Exact Sciences
Classification: Uncertain significance for THOC6-related condition. Last evaluated: 2025-06-20. Review status: criteria provided, single submitter. Criteria: ACMG Guidelines, 2015. Collection method: clinical testing. Allele origin: germline.
Comment: The THOC6 c.931G>A variant is predicted to result in the amino acid substitution p.Ala311Thr. To our knowledge, this variant has not been reported in the literature. This variant is reported in 0.061% of alleles in individuals of East Asian descent in gnomAD. Although we suspect that this variant may be benign, at this time, the clinical significance of this variant is uncertain due to the absence of conclusive functional and genetic evidence.